The following is an entry in ClinVar:

NM_006852.6(TLK2):c.1973C>T (p.Pro658Leu)

Gene: TLK2 (tousled like kinase 2; plus strand). Cytogenetic location: 17q23.2.
Variant type: single nucleotide variant.
Coding change: c.1973C>T on transcript NM_006852.6 (MANE Select); coding-DNA position 1973, C replaced by T.
Protein change: p.Pro658Leu; replaces proline 658 with leucine.
Molecular consequence: missense variant.
Genome position (GRCh38, 1-based): chr17:62,608,042, C>T. VCF-style: chr17-62608042-C-T. GRCh37 (hg19) VCF-style: chr17-60685403-C-T.
Other names: c.2039C>T, p.Pro680Leu (NM_001284333.3); c.1877C>T, p.Pro626Leu (NM_001284363.1, NM_001375272.1); c.1526C>T, p.Pro509Leu (NM_001330418.3, NM_001375273.1); c.2015C>T, p.Pro672Leu (NM_001375269.1); c.1973C>T, p.Pro658Leu (NM_001375270.1, NM_001375271.1); c.1688C>T, p.Pro563Leu (NM_001411074.1); short protein forms P509L, P563L, P626L, P658L, P672L, P680L.
Identifiers: ClinVar variation 2633183 (VCV002633183.1), dbSNP rs1568018905, ClinGen allele CA400514888.
Genomic context (GRCh38, chr17:62,608,042, plus strand): 5'-TTGTTTTCTCTATAATTTTCATCAGAGGCCTACATTATTTGTTTGTTTTTATGTGACAGC[C>T]TTTTGGCCATAACCAGTCTCAGCAAGACATCCTACAAGAGAATACGATTCTTAAAGCTAC-3'
Protein context (NP_006843.2, residues 648-668): IFYQCLYGRK[Pro658Leu]FGHNQSQQDI

ClinVar aggregate classification (germline): Uncertain significance (1 of 4 stars; one submission).

Conditions:
TLK2-related disorder. Also called: TLK2-related condition.

Submission:

PreventionGenetics, part of Exact Sciences
Classification: Uncertain significance for TLK2-related condition. Last evaluated: 2023-04-21. Review status: criteria provided, single submitter. Criteria: ACMG Guidelines, 2015. Collection method: clinical testing. Allele origin: germline.
Comment: The TLK2 c.2039C>T variant is predicted to result in the amino acid substitution p.Pro680Leu. To our knowledge, this variant has not been reported in the literature or in a large population database, indicating this variant is rare. At this time, the clinical significance of this variant is uncertain due to the absence of conclusive functional and genetic evidence.